The following is an entry in ClinVar:

ClinVar aggregate classification (germline): Uncertain significance (1 of 4 stars; one submission).

Conditions:
Intellectual developmental disorder, autosomal dominant 1. Also called: MBD5 Haploinsufficiency; Intellectual disability, autosomal dominant 1. Identifiers: Orphanet 228402, MedGen C1969562, MONDO:0007974, OMIM 156200.

Allele frequency attached by ClinVar (database versions not stated): gnomAD exomes below 0.00001.
gnomAD v4.1: 1 of 1,613,806 alleles (0.000062%); highest among the groups gnomAD compares: Non-Finnish European, 0.000085%; no homozygotes.

Submission:

Labcorp Genetics (formerly Invitae), Labcorp
Classification: Uncertain significance for Intellectual developmental disorder, autosomal dominant 1. Last evaluated: 2022-09-16. Review status: criteria provided, single submitter. Criteria: Invitae Variant Classification Sherloc (09022015). Collection method: clinical testing. Allele origin: germline.
Comment: This sequence change replaces glycine, which is neutral and non-polar, with arginine, which is basic and polar, at codon 722 of the MBD5 protein (p.Gly722Arg). This variant is not present in population databases (gnomAD no frequency). This variant has not been reported in the literature in individuals affected with MBD5-related conditions. Advanced modeling of protein sequence and biophysical properties (such as structural, functional, and spatial information, amino acid conservation, physicochemical variation, residue mobility, and thermodynamic stability) performed at Invitae indicates that this missense variant is not expected to disrupt MBD5 protein function. In summary, the available evidence is currently insufficient to determine the role of this variant in disease. Therefore, it has been classified as a Variant of Uncertain Significance.

NM_001378120.1(MBD5):c.2164G>C (p.Gly722Arg)

Gene: MBD5 (methyl-CpG binding domain protein 5; plus strand). Cytogenetic location: 2q23.1.
Variant type: single nucleotide variant.
Coding change: c.2164G>C on transcript NM_001378120.1 (MANE Select); coding-DNA position 2164, G replaced by C.
Protein change: p.Gly722Arg; replaces glycine 722 with arginine.
Molecular consequence: missense variant.
Genome position (GRCh38, 1-based): chr2:148,470,107, G>C. VCF-style: chr2-148470107-G-C. GRCh37 (hg19) VCF-style: chr2-149227676-G-C.
Other names: c.2164G>C, p.Gly722Arg (NM_018328.5); short protein forms G722R.
Identifiers: ClinVar variation 2008884 (VCV002008884.4), dbSNP rs143584574, ClinGen allele CA348721262.